The following is an entry in ClinVar:

ClinVar aggregate classification (germline): Uncertain significance. Review status: criteria provided, multiple submitters, no conflicts (2 of 4 stars). 2 submissions from 2 submitters: Uncertain significance (2). Last evaluated 2024-12-20.

Conditions:
Inborn genetic diseases. Identifiers: MedGen C0950123, MeSH D030342.

gnomAD v4.1: 23 of 1,471,022 alleles (0.0016%); highest among the groups gnomAD compares: Non-Finnish European, 0.0021%; no homozygotes.

Submissions (2):

Ambry Genetics
Classification: Uncertain significance for Inborn genetic diseases. Last evaluated: 2024-12-20. Review status: criteria provided, single submitter. Criteria: Ambry Variant Classification Scheme 2023. Collection method: clinical testing. Allele origin: germline.
Comment: The p.D697G variant (also known as c.2090A>G), located in coding exon 14 of the ERCC6L2 gene, results from an A to G substitution at nucleotide position 2090. The aspartic acid at codon 697 is replaced by glycine, an amino acid with similar properties. This amino acid position is conserved. In addition, the in silico prediction for this alteration is inconclusive. Based on the available evidence, the clinical significance of this variant remains unclear.

Blueprint Genetics
Classification: Uncertain significance. Last evaluated: 2021-03-01. Review status: criteria provided, single submitter. Criteria: ACMG Guidelines, 2015. Collection method: clinical testing. Allele origin: germline.

NM_020207.7(ERCC6L2):c.2090A>G (p.Asp697Gly)

Gene: ERCC6L2 (ERCC excision repair 6 like 2; plus strand). Cytogenetic location: 9q22.32.
Variant type: single nucleotide variant.
Coding change: c.2090A>G on transcript NM_020207.7 (MANE Select); coding-DNA position 2090, A replaced by G.
Protein change: p.Asp697Gly; replaces aspartic acid 697 with glycine.
Molecular consequence: missense variant. On other transcripts: non-coding transcript variant (1).
Genome position (GRCh38, 1-based): chr9:95,966,704, A>G. VCF-style: chr9-95966704-A-G. GRCh37 (hg19) VCF-style: chr9-98728986-A-G.
Other names: c.2090A>G, p.Asp697Gly (NM_001010895.4, NM_001375291.1, NM_001375292.1 and 2 more transcripts); short protein forms D697G.
Identifiers: ClinVar variation 3845808 (VCV003845808.2).